The following is an entry in ClinVar:

ClinVar aggregate classification (germline): Uncertain significance. Review status: criteria provided, multiple submitters, no conflicts (2 of 4 stars). 2 submissions from 2 submitters: Uncertain significance (2). Last evaluated 2026-01-01.

Conditions:
Inborn genetic diseases. Identifiers: MedGen C0950123, MeSH D030342.

Submissions (2):

CeGaT Center for Human Genetics Tuebingen
Classification: Uncertain significance. Last evaluated: 2026-01-01. Review status: criteria provided, single submitter. Criteria: CeGaT Center For Human Genetics Tuebingen Variant Classification Criteria Version 2. Collection method: clinical testing. Allele origin: germline. Affected: yes. Observed: 1 variant allele.
Comment: MAGEL2: PM2

Ambry Genetics
Classification: Uncertain significance for Inborn genetic diseases. Last evaluated: 2025-08-05. Review status: criteria provided, single submitter. Criteria: Ambry Variant Classification Scheme 2023. Collection method: clinical testing. Allele origin: germline.

NM_019066.5(MAGEL2):c.737G>A (p.Gly246Glu)

Gene: MAGEL2 (MAGE family member L2; minus strand). Cytogenetic location: 15q11.2.
Variant type: single nucleotide variant.
Coding change: c.737G>A on transcript NM_019066.5 (MANE Select); coding-DNA position 737, G replaced by A.
Protein change: p.Gly246Glu; replaces glycine 246 with glutamic acid.
Molecular consequence: missense variant.
Genome position (GRCh38, 1-based): chr15:23,647,006, C>T on the plus strand (G>A on the coding strand, the complement: MAGEL2 is on the minus strand). VCF-style: chr15-23647006-C-T. GRCh37 (hg19) VCF-style: chr15-23892153-C-T.
Other names: short protein forms G246E.
Identifiers: ClinVar variation 4102422 (VCV004102422.5).